The following is an entry in ClinVar:

NM_003482.4(KMT2D):c.5549dup (p.Val1851fs)

Gene: KMT2D (lysine methyltransferase 2D; minus strand). Cytogenetic location: 12q13.12.
Variant type: Duplication.
Coding change: c.5549dup on transcript NM_003482.4 (MANE Select); coding-DNA position 5549, one base duplicated (G; older notation c.5549dupG).
Protein change: p.Val1851fs; shifts the reading frame from valine 1851.
Molecular consequence: frameshift variant.
Genome position (GRCh38, 1-based): chr12:49,043,171, C duplicated on the plus strand (G on the coding strand, the reverse complement: KMT2D is on the minus strand); the first of 5 consecutive C bases (chr12:49,043,171-49,043,175); duplicating any one gives the same sequence. VCF-style (leftmost placement, unchanged base first): chr12-49043170-G-GC. GRCh37 (hg19) VCF-style: chr12-49436953-G-GC.
Other names: short protein forms V1851fs.
Identifiers: ClinVar variation 2771384 (VCV002771384.3), dbSNP rs2498412113, ClinGen allele CA2697559247.
Genomic context (GRCh38, chr12:49,043,170, plus strand): 5'-CATCCCTTCACCTGGGGTGCCTGGCTTCTCAGGGTCACTGGGCACTGGGGATGCCTTCAC[G>GC]CCCCCATCCTCAGGTCCTGTAAATGCCAGGAGAAACCCATGGGTCAAGGCCAGGATGGGT-3'

ClinVar aggregate classification (germline): Pathogenic (1 of 4 stars; one submission).

Conditions:
Kabuki syndrome. Also called: NIIKAWA-KUROKI SYNDROME; Kabuki make-up syndrome. Identifiers: Orphanet 2322, MedGen C0796004, MONDO:0016512.

Submission:

Labcorp Genetics (formerly Invitae), Labcorp
Classification: Pathogenic for Kabuki syndrome. Last evaluated: 2023-10-23. Review status: criteria provided, single submitter. Criteria: Invitae Variant Classification Sherloc (09022015). Collection method: clinical testing. Allele origin: germline.
Comment: This sequence change creates a premature translational stop signal (p.Val1851Argfs*9) in the KMT2D gene. It is expected to result in an absent or disrupted protein product. Loss-of-function variants in KMT2D are known to be pathogenic (PMID: 22126750). This variant is not present in population databases (gnomAD no frequency). This variant has not been reported in the literature in individuals affected with KMT2D-related conditions. For these reasons, this variant has been classified as Pathogenic.

Literature cited by the submitters: PubMed 22126750.